The following is an entry in ClinVar:

NM_000059.4(BRCA2):c.37_44del (p.Phe12_Glu13insTer)

Gene: BRCA2 (BRCA2 DNA repair associated; plus strand). Cytogenetic location: 13q13.1.
Variant type: Deletion.
Coding change: c.37_44del on transcript NM_000059.4 (MANE Select); coding-DNA positions 37 to 44, 8 bases deleted (GAAATTTT; older notation c.37_44delGAAATTTT).
Protein change: p.Phe12_Glu13insTer.
Molecular consequence: nonsense.
Genome position (GRCh38, 1-based): chr13:32,316,497-32,316,504, GAAATTTT deleted; deleting any 8 consecutive bases within chr13:32,316,493-32,316,504 gives the same sequence; the c. name uses the placement nearest the transcript's 3' end. VCF-style (leftmost placement, unchanged base first): chr13-32316492-TTTTTGAAA-T. GRCh37 (hg19) VCF-style: chr13-32890629-TTTTTGAAA-T.
Other names: 265del8-ter13; c.37_44delGAAATTTT (NM_000059.3).
Identifiers: ClinVar variation 51528 (VCV000051528.7), dbSNP rs397507687, ClinGen allele CA018705.

ClinVar aggregate classification (germline): Pathogenic. Review status: reviewed by expert panel (3 of 4 stars). 2 submissions from 2 submitters: Pathogenic (1). 1 of the submissions does not count toward it. Last evaluated 2016-10-18.

Conditions:
Breast-ovarian cancer, familial, susceptibility to, 2 (BROVCA2). Also called: BRCA2 Hereditary Breast and Ovarian Cancer. Identifiers: Orphanet 145, MedGen C2675520, MONDO:0012933, OMIM 612555. Disease mechanism: loss of function.

Submissions (2):

Evidence-based Network for the Interpretation of Germline Mutant Alleles (ENIGMA)
Classification: Pathogenic for Breast-ovarian cancer, familial, susceptibility to, 2. Last evaluated: 2016-10-18. Review status: reviewed by expert panel. Criteria: ENIGMA BRCA1/2 Classification Criteria (2015). Collection method: curation. Allele origin: germline.
Comment: Variant allele predicted to encode a truncated non-functional protein.

Consortium of Investigators of Modifiers of BRCA1/2 (CIMBA), c/o University of Cambridge
Classification: Pathogenic for Breast-ovarian cancer, familial, susceptibility to, 2. Last evaluated: 2015-10-02. Review status: criteria provided, single submitter. Criteria: CIMBA Mutation Classification guidelines May 2016. Collection method: clinical testing. Allele origin: germline. Not counted in ClinVar's aggregate classification.